The following is an entry in ClinVar:

NM_001609.4(ACADSB):c.734A>G (p.His245Arg)

Gene: ACADSB (acyl-CoA dehydrogenase short/branched chain; plus strand). Cytogenetic location: 10q26.13.
Variant type: single nucleotide variant.
Coding change: c.734A>G on transcript NM_001609.4 (MANE Select); coding-DNA position 734, A replaced by G.
Protein change: p.His245Arg; replaces histidine 245 with arginine.
Molecular consequence: missense variant.
Genome position (GRCh38, 1-based): chr10:123,043,098, A>G. VCF-style: chr10-123043098-A-G. GRCh37 (hg19) VCF-style: chr10-124802614-A-G.
Other names: c.428A>G, p.His143Arg (NM_001330174.3); short protein forms H143R, H245R.
Identifiers: ClinVar variation 3621065 (VCV003621065.2).

ClinVar aggregate classification (germline): Uncertain significance (1 of 4 stars; one submission).

Conditions:
Deficiency of 2-methylbutyryl-CoA dehydrogenase (ACADSB). Also called: 2-methylbutyrylglycinuria; 2-methylbutyryl-CoA dehydrogenase deficiency; SBCAD deficiency; 2-methylbutyric aciduria; Short branched-chain acyl-CoA dehydrogenase deficiency. Identifiers: Orphanet 79157, MedGen C1864912, MONDO:0012392, OMIM 610006, HP:0020147.

gnomAD v4.1: 1 of 1,614,032 alleles (0.000062%); highest among the groups gnomAD compares: Non-Finnish European, 0.000085%; no homozygotes.

Submission:

Labcorp Genetics (formerly Invitae), Labcorp
Classification: Uncertain significance for Deficiency of 2-methylbutyryl-CoA dehydrogenase. Last evaluated: 2024-06-07. Review status: criteria provided, single submitter. Criteria: Invitae Variant Classification Sherloc (09022015). Collection method: clinical testing. Allele origin: germline.
Comment: This sequence change replaces histidine, which is basic and polar, with arginine, which is basic and polar, at codon 245 of the ACADSB protein (p.His245Arg). This variant is not present in population databases (gnomAD no frequency). This variant has not been reported in the literature in individuals affected with ACADSB-related conditions. Advanced modeling of protein sequence and biophysical properties (such as structural, functional, and spatial information, amino acid conservation, physicochemical variation, residue mobility, and thermodynamic stability) performed at Invitae indicates that this missense variant is not expected to disrupt ACADSB protein function with a negative predictive value of 80%. In summary, the available evidence is currently insufficient to determine the role of this variant in disease. Therefore, it has been classified as a Variant of Uncertain Significance.